The following is an entry in ClinVar:

ClinVar aggregate classification (germline): Uncertain significance (0 of 4 stars; one submission).

Conditions:
SRP72-related disorder. Also called: SRP72-related condition.

gnomAD v4.1: 2 of 1,606,702 alleles (0.00012%); highest among the groups gnomAD compares: Middle Eastern, 0.023%; no homozygotes.

Submission:

PreventionGenetics, part of Exact Sciences
Classification: Uncertain significance for SRP72-related condition. Last evaluated: 2024-06-26. Review status: no assertion criteria provided. Collection method: clinical testing. Allele origin: germline.
Comment: The SRP72 c.826-6T>G variant is predicted to interfere with splicing. To our knowledge, this variant has not been reported in the literature. This variant is reported in 0.00089% of alleles in individuals of European (Non-Finnish) descent in gnomAD. This variant is predicted to alter splicing based on available splicing prediction software (SpliceAI, Jaganathan et al. 2019. PubMed ID: 30661751). At this time, the clinical significance of this variant is uncertain due to the absence of conclusive functional and genetic evidence.

NM_006947.4(SRP72):c.826-6T>G

Gene: SRP72 (signal recognition particle 72; plus strand). Cytogenetic location: 4q12.
Variant type: single nucleotide variant.
Coding change: c.826-6T>G on transcript NM_006947.4 (MANE Select); 6 bases into the intron before coding-DNA position 826, T replaced by G.
Molecular consequence: intron variant.
Genome position (GRCh38, 1-based): chr4:56,483,133, T>G. VCF-style: chr4-56483133-T-G. GRCh37 (hg19) VCF-style: chr4-57349299-T-G.
Other names: c.643-6T>G (NM_001267722.2).
Identifiers: ClinVar variation 3344726 (VCV003344726.1).
Genomic context (GRCh38, chr4:56,483,133, plus strand): 5'-TAATAGAAAAAGGAATAAGTTGAAATCTGAGATTCTGTTAATGATAGATAAACTTTTCTT[T>G]GTTAGGACCAAAATGTCTTTGACTCCAAGAAGAAAGTGAAATTAACCAATGCGGAAGGAG-3'